The following is an entry in ClinVar:

ClinVar aggregate classification (germline): Likely benign (1 of 4 stars; one submission).

Allele frequency attached by ClinVar (database versions not stated): gnomAD exomes 0.00335; 1000 Genomes Project 0.00040; 1000 Genomes Project 30x 0.00078; TOPMed 0.00225; gnomAD 0.00231 and 0.00239.
gnomAD v4.1: 1,150 of 397,446 alleles (0.29%); highest among the groups gnomAD compares: Non-Finnish European, 0.47%; 4 homozygotes.

Submission:

CeGaT Center for Human Genetics Tuebingen
Classification: Likely benign. Last evaluated: 2026-09-01. Review status: criteria provided, single submitter. Criteria: CeGaT Center For Human Genetics Tuebingen Variant Classification Criteria Version 2. Collection method: clinical testing. Allele origin: germline. Affected: yes. Observed: 32 variant alleles.
Comment: KCNQ1OT1: BS2

NM_000218.3(KCNQ1):c.1394-13097G>T

Genes: KCNQ1 (potassium voltage-gated channel subfamily Q member 1; plus strand), KCNQ1OT1 (KCNQ1 opposite strand/antisense transcript 1; minus strand). Cytogenetic location: 11p15.5.
Variant type: single nucleotide variant.
Coding change: c.1394-13097G>T on transcript NM_000218.3 (MANE Select); 13097 bases into the intron before coding-DNA position 1394, G replaced by T.
Molecular consequence: intron variant.
Genome position (GRCh38, 1-based): chr11:2,648,864, G>T. VCF-style: chr11-2648864-G-T. GRCh37 (hg19) VCF-style: chr11-2670094-G-T.
Other names: c.854-13097G>T (NM_001406838.1); c.1013-13097G>T (NM_181798.2); c.1124-13097G>T (NM_001406837.1); c.1298-13097G>T (NM_001406836.1).
Identifiers: ClinVar variation 1694603 (VCV001694603.31), dbSNP rs146953612, ClinGen allele CA216161092.
Genomic context (GRCh38, chr11:2,648,864, plus strand): 5'-ATGTTGCCATCCCTAACTATTATTGTATTGGGGTCTATCTCTTTAGCACTAATAATATTT[G>T]TTTAATATACCTGGGTACTCCAGTGTTGTTGGTTGCATATATAATTGTTATATCTTCTTG-3'